The following is an entry in ClinVar:

NM_020719.3(PRR12):c.2367C>G (p.Asp789Glu)

Gene: PRR12 (proline rich 12; plus strand). Cytogenetic location: 19q13.33.
Variant type: single nucleotide variant.
Coding change: c.2367C>G on transcript NM_020719.3 (MANE Select); coding-DNA position 2367, C replaced by G.
Protein change: p.Asp789Glu; replaces aspartic acid 789 with glutamic acid.
Molecular consequence: missense variant.
Genome position (GRCh38, 1-based): chr19:49,596,702, C>G. VCF-style: chr19-49596702-C-G. GRCh37 (hg19) VCF-style: chr19-50099959-C-G.
Other names: short protein forms D789E.
Identifiers: ClinVar variation 5017655 (VCV005017655.1).

ClinVar aggregate classification (germline): Uncertain significance (1 of 4 stars; one submission).

Submission:

GeneDx
Classification: Uncertain significance. Last evaluated: 2026-03-26. Review status: criteria provided, single submitter. Criteria: GeneDx Variant Classification Process June 2021. Collection method: clinical testing. Allele origin: germline.
Comment: Not observed at significant frequency in large population cohorts (gnomAD); In silico analysis suggests that this missense variant does not alter protein structure/function; Has not been previously published as pathogenic or benign to our knowledge